The following is an entry in ClinVar:

NM_014314.4(RIGI):c.455C>T (p.Ala152Val)

Gene: RIGI (RNA sensor RIG-I; minus strand). Cytogenetic location: 9p21.1.
Variant type: single nucleotide variant.
Coding change: c.455C>T on transcript NM_014314.4 (MANE Select); coding-DNA position 455, C replaced by T.
Protein change: p.Ala152Val; replaces alanine 152 with valine.
Molecular consequence: missense variant. On other transcripts: intron variant (1).
Genome position (GRCh38, 1-based): chr9:32,492,507, G>A on the plus strand (C>T on the coding strand, the complement: RIGI is on the minus strand). VCF-style: chr9-32492507-G-A. GRCh37 (hg19) VCF-style: chr9-32492505-G-A.
Other names: c.455C>T, p.Ala152Val (NM_001385907.1, NM_001385909.1); c.14C>T, p.Ala5Val (NM_001385910.1, NM_001385914.1); c.440C>T, p.Ala147Val (NM_001385913.1); c.-38-1087C>T (NM_001385912.1); short protein forms A147V, A5V, A152V.
Identifiers: ClinVar variation 2977307 (VCV002977307.3), dbSNP rs747516768, ClinGen allele CA5020069.
Genomic context (GRCh38, chr9:32,492,507, plus strand): 5'-TTCAAAGTTTTGGGCCAGTTTTCCTTGTCTGATCTGAGAAGGCATTCCACCAATTTCTCT[G>A]CACCTGCCATCATCCCCTTAGTAGAGCAAATCTAAGCAAGGTAACTGTAGTTTATTGATC-3'
Protein context (NP_055129.2, residues 142-162): ICSTKGMMAG[Ala152Val]EKLVECLLRS

ClinVar aggregate classification (germline): Uncertain significance (1 of 4 stars; one submission).

Allele frequency attached by ClinVar (database versions not stated): ExAC 0.00001; gnomAD exomes 0.00003; gnomAD 0.00001; TOPMed 0.00003.
gnomAD v4.1: 51 of 1,613,992 alleles (0.0032%); highest among the groups gnomAD compares: Non-Finnish European, 0.0042%; no homozygotes.

Submission:

Labcorp Genetics (formerly Invitae), Labcorp
Classification: Uncertain significance. Last evaluated: 2025-09-21. Review status: criteria provided, single submitter. Criteria: Invitae Variant Classification Sherloc (09022015). Collection method: clinical testing. Allele origin: germline.
Comment: This sequence change replaces alanine, which is neutral and non-polar, with valine, which is neutral and non-polar, at codon 152 of the DDX58 protein (p.Ala152Val). This variant is present in population databases (rs747516768, gnomAD 0.003%). This variant has not been reported in the literature in individuals affected with DDX58-related conditions. ClinVar contains an entry for this variant (Variation ID: 2977307). An algorithm developed to predict the effect of missense changes on protein structure and function (PolyPhen-2) suggests that this variant is likely to be tolerated. Algorithms developed to predict the effect of sequence changes on RNA splicing suggest that this variant may disrupt the consensus splice site. In summary, the available evidence is currently insufficient to determine the role of this variant in disease. Therefore, it has been classified as a Variant of Uncertain Significance.